The following is an entry in ClinVar:

NM_014159.7(SETD2):c.3723T>G (p.Cys1241Trp)

Gene: SETD2 (SET domain containing 2, histone lysine methyltransferase; minus strand). Cytogenetic location: 3p21.31.
Variant type: single nucleotide variant.
Coding change: c.3723T>G on transcript NM_014159.7 (MANE Select); coding-DNA position 3723, T replaced by G.
Protein change: p.Cys1241Trp; replaces cysteine 1241 with tryptophan.
Molecular consequence: missense variant. On other transcripts: non-coding transcript variant (1).
Genome position (GRCh38, 1-based): chr3:47,120,913, A>C on the plus strand (T>G on the coding strand, the complement: SETD2 is on the minus strand). VCF-style: chr3-47120913-A-C. GRCh37 (hg19) VCF-style: chr3-47162403-A-C.
Other names: c.3591T>G, p.Cys1197Trp (NM_001349370.3); short protein forms C1197W, C1241W.
Identifiers: ClinVar variation 1058451 (VCV001058451.5), dbSNP rs2043053869, ClinGen allele CA352521419.

ClinVar aggregate classification (germline): Uncertain significance (1 of 4 stars; one submission).

Conditions:
Luscan-Lumish syndrome. Identifiers: Orphanet 597738, MedGen C4085873, MONDO:0014791, OMIM 616831.

Allele frequency attached by ClinVar (database versions not stated): TOPMed below 0.00001.

Submission:

Labcorp Genetics (formerly Invitae), Labcorp
Classification: Uncertain significance for Luscan-Lumish syndrome. Last evaluated: 2020-03-15. Review status: criteria provided, single submitter. Criteria: Invitae Variant Classification Sherloc (09022015). Collection method: clinical testing. Allele origin: germline.
Comment: This sequence change replaces cysteine with tryptophan at codon 1241 of the SETD2 protein (p.Cys1241Trp). The cysteine residue is moderately conserved and there is a large physicochemical difference between cysteine and tryptophan. In summary, the available evidence is currently insufficient to determine the role of this variant in disease. Therefore, it has been classified as a Variant of Uncertain Significance. Algorithms developed to predict the effect of missense changes on protein structure and function are either unavailable or do not agree on the potential impact of this missense change (SIFT: "Deleterious"; PolyPhen-2: "Benign"; Align-GVGD: "Class C15"). This variant has not been reported in the literature in individuals with SETD2-related conditions. This variant is not present in population databases (ExAC no frequency).